The following is an entry in ClinVar:

NM_003070.5(SMARCA2):c.2004A>C (p.Glu668Asp)

Gene: SMARCA2 (SWI/SNF related BAF chromatin remodeling complex subunit ATPase 2; plus strand). Cytogenetic location: 9p24.3.
Variant type: single nucleotide variant.
Coding change: c.2004A>C on transcript NM_003070.5 (MANE Select); coding-DNA position 2004, A replaced by C.
Protein change: p.Glu668Asp; replaces glutamic acid 668 with aspartic acid.
Molecular consequence: missense variant.
Genome position (GRCh38, 1-based): chr9:2,076,297, A>C. VCF-style: chr9-2076297-A-C. GRCh37 (hg19) VCF-style: chr9-2076297-A-C.
Other names: c.2004A>C, p.Glu668Asp (NM_001289396.2, NM_001289397.2, NM_139045.4); short protein forms E668D.
Identifiers: ClinVar variation 4753577 (VCV004753577.1).

ClinVar aggregate classification (germline): Uncertain significance (1 of 4 stars; one submission).

Submission:

Labcorp Genetics (formerly Invitae), Labcorp
Classification: Uncertain significance. Last evaluated: 2025-04-08. Review status: criteria provided, single submitter. Criteria: Invitae Variant Classification Sherloc (09022015). Collection method: clinical testing. Allele origin: germline.
Comment: This sequence change replaces glutamic acid, which is acidic and polar, with aspartic acid, which is acidic and polar, at codon 668 of the SMARCA2 protein (p.Glu668Asp). This variant is not present in population databases (gnomAD no frequency). This variant has not been reported in the literature in individuals affected with SMARCA2-related conditions. Invitae Evidence Modeling of protein sequence and biophysical properties (such as structural, functional, and spatial information, amino acid conservation, physicochemical variation, residue mobility, and thermodynamic stability) indicates that this missense variant is not expected to disrupt SMARCA2 protein function with a negative predictive value of 95%. In summary, the available evidence is currently insufficient to determine the role of this variant in disease. Therefore, it has been classified as a Variant of Uncertain Significance.